The following is an entry in ClinVar:

ClinVar aggregate classification (germline): Uncertain significance (1 of 4 stars; one submission).

Submission:

Ambry Genetics
Classification: Uncertain significance. Last evaluated: 2024-11-12. Review status: criteria provided, single submitter. Criteria: Ambry Variant Classification Scheme 2023. Collection method: clinical testing. Allele origin: germline.
Comment: The p.G398E variant (also known as c.1193G>A), located in coding exon 4 of the PALLD gene, results from a G to A substitution at nucleotide position 1193. The glycine at codon 398 is replaced by glutamic acid, an amino acid with similar properties. This amino acid position is conserved. In addition, this alteration is predicted to be deleterious by in silico analysis. Based on the available evidence, the clinical significance of this variant remains unclear.

NM_001166108.2(PALLD):c.1193G>A (p.Gly398Glu)

Gene: PALLD (palladin, cytoskeletal associated protein; plus strand). Cytogenetic location: 4q32.3.
Variant type: single nucleotide variant.
Coding change: c.1193G>A on transcript NM_001166108.2 (MANE Select); coding-DNA position 1193, G replaced by A.
Protein change: p.Gly398Glu; replaces glycine 398 with glutamic acid.
Molecular consequence: missense variant.
Genome position (GRCh38, 1-based): chr4:168,683,036, G>A. VCF-style: chr4-168683036-G-A. GRCh37 (hg19) VCF-style: chr4-169604187-G-A.
Other names: c.47G>A, p.Gly16Glu (NM_001166109.2); c.1193G>A, p.Gly398Glu (NM_016081.4); short protein forms G398E, G16E.
Identifiers: ClinVar variation 3413660 (VCV003413660.1).
Genomic context (GRCh38, chr4:168,683,036, plus strand): 5'-CACTCACCTTCCTATTTTCCAGAGCTCAAAAGAAAACAACTTCTGTTTCCTTGACAATAG[G>A]ATCATCATCTCCAAAGACAGGGGTGACCACAGCTGTGATTCAACCACTGTCTGTCCCTGT-3'
Protein context (NP_001159580.1, residues 388-408): KKTTSVSLTI[Gly398Glu]SSSPKTGVTT